The following is an entry in ClinVar:

ClinVar aggregate classification (germline): Likely pathogenic (1 of 4 stars; one submission).

Conditions:
Lipid proteinosis. Also called: HYALINOSIS CUTIS ET MUCOSAE; Lipoid Proteinosis of Urbach and Wiethe; Urbach Wiethe disease; lipoid proteinosis. Identifiers: Orphanet 530, MedGen C0023795, MONDO:0009530, OMIM 247100.

Submission:

Dasa
Classification: Likely pathogenic for lipoid proteinosis. Last evaluated: 2025-05-16. Review status: criteria provided, single submitter. Criteria: DASA Assertion Criteria. Collection method: clinical testing. Allele origin: germline.
Comment: NM_004425.4(ECM1):c.541_542delinsAGAACCAAATCTGAA (p.Cys181Argfs*8) is a frameshift variant in ECM1 predicted to alter the reading frame and introduce a premature termination codon and is predicted to result in an absent or altered protein product. Loss of function is an established disease mechanism for ECM1-associated disorders. Also, this variant is absent from population databases. Based on the currently available evidence, this variant is classified as likely pathogenic.

NM_004425.4(ECM1):c.541_542delinsAGAACCAAATCTGAA (p.Cys181fs)

Gene: ECM1 (extracellular matrix protein 1; plus strand). Cytogenetic location: 1q21.2.
Variant type: Indel.
Coding change: c.541_542delinsAGAACCAAATCTGAA on transcript NM_004425.4 (MANE Select); coding-DNA positions 541 to 542, TG replaced by AGAACCAAATCTGAA.
Protein change: p.Cys181fs; shifts the reading frame from cysteine 181.
Molecular consequence: frameshift variant.
Genome position (GRCh38, 1-based): chr1:150,511,031-150,511,032, TG replaced by AGAACCAAATCTGAA. VCF-style: chr1-150511031-TG-AGAACCAAATCTGAA. GRCh37 (hg19) VCF-style: chr1-150483507-TG-AGAACCAAATCTGAA.
Other names: c.622_623delinsAGAACCAAATCTGAA, p.Cys208fs (NM_001202858.2); c.541_542delinsAGAACCAAATCTGAA, p.Cys181fs (NM_022664.3); short protein forms C181fs, C208fs.
Identifiers: ClinVar variation 4880803 (VCV004880803.2).